The following is an entry in ClinVar:

ClinVar aggregate classification (germline): Uncertain significance. Review status: criteria provided, multiple submitters, no conflicts (2 of 4 stars). 4 submissions from 4 submitters: Uncertain significance (3). 1 of the submissions does not count toward it. Last evaluated 2023-10-01.

Conditions:
Retinitis pigmentosa 26 (RP26). Identifiers: Orphanet 791, MedGen C1842127, MONDO:0012024, OMIM 608380.
Retinal dystrophy. Also called: Inherited retinal dystrophy. Identifiers: Orphanet 71862, MedGen C0854723, MeSH D058499, MONDO:0019118, HP:0000556.
Retinitis pigmentosa (RP). Identifiers: Orphanet 791, MedGen C0035334, MeSH D012174, MONDO:0019200, OMIM 268000. Inheritance: Autosomal dominant, autosomal recessive and X linked inheritance.

Allele frequency attached by ClinVar (database versions not stated): gnomAD exomes 0.00002; TOPMed 0.00002; gnomAD 0.00003.
gnomAD v4.1: 47 of 1,613,604 alleles (0.0029%); highest among the groups gnomAD compares: East Asian, 0.016%; no homozygotes.

Submissions (4):

Dept Of Ophthalmology, Nagoya University
Classification: Uncertain significance for Retinal dystrophy. Last evaluated: 2023-10-01. Review status: criteria provided, single submitter. Criteria: Submitter's publication. Collection method: research. Allele origin: germline. Affected: yes.

Labcorp Genetics (formerly Invitae), Labcorp
Classification: Uncertain significance. Last evaluated: 2021-09-17. Review status: criteria provided, single submitter. Criteria: Invitae Variant Classification Sherloc (09022015). Collection method: clinical testing. Allele origin: germline.
Comment: This sequence change replaces arginine with glutamine at codon 283 of the CERKL protein (p.Arg283Gln). The arginine residue is weakly conserved and there is a small physicochemical difference between arginine and glutamine. This variant is present in population databases (rs762961333, ExAC 0.003%). This variant has been observed in individual(s) with clinical features of CERKL-related conditions (Invitae). ClinVar contains an entry for this variant (Variation ID: 898865). Algorithms developed to predict the effect of missense changes on protein structure and function output the following: SIFT: "Tolerated"; PolyPhen-2: "Benign"; Align-GVGD: "Class C0". The glutamine amino acid residue is found in multiple mammalian species, which suggests that this missense change does not adversely affect protein function. In summary, the available evidence is currently insufficient to determine the role of this variant in disease. Therefore, it has been classified as a Variant of Uncertain Significance.

Illumina Laboratory Services, Illumina
Classification: Uncertain significance for Retinitis pigmentosa. Last evaluated: 2018-01-12. Review status: criteria provided, single submitter. Criteria: ICSL Variant Classification Criteria 13 December 2019. Collection method: clinical testing. Allele origin: germline.

Natera, Inc.
Classification: Uncertain significance for Retinitis Pigmentosa 26. Last evaluated: 2020-09-22. Review status: no assertion criteria provided. Collection method: clinical testing. Allele origin: germline. Not counted in ClinVar's aggregate classification.

NM_201548.5(CERKL):c.770G>A (p.Arg257Gln)

Gene: CERKL (CERK like autophagy regulator; minus strand). Cytogenetic location: 2q31.3.
Variant type: single nucleotide variant.
Coding change: c.770G>A on transcript NM_201548.5 (MANE Select); coding-DNA position 770, G replaced by A.
Protein change: p.Arg257Gln; replaces arginine 257 with glutamine.
Molecular consequence: missense variant. On other transcripts: non-coding transcript variant (2), intron variant (2).
Genome position (GRCh38, 1-based): chr2:181,558,616, C>T on the plus strand (G>A on the coding strand, the complement: CERKL is on the minus strand). VCF-style: chr2-181558616-C-T. GRCh37 (hg19) VCF-style: chr2-182423343-C-T.
Other names: c.848G>A, p.Arg283Gln (NM_001030311.3); c.716G>A, p.Arg239Gln (NM_001160277.2); c.482-8908G>A (NM_001030312.3); c.614-8908G>A (NM_001030313.3); short protein forms R239Q, R283Q, R257Q.
Identifiers: ClinVar variation 898865 (VCV000898865.8), dbSNP rs762961333, ClinGen allele CA2010666.